The following is an entry in ClinVar:

NC_000023.10:g.(?_46466387)_(50659607_?)del

Genes: AKAP4 (A-kinase anchoring protein 4; minus strand), ARAF (A-Raf proto-oncogene, serine/threonine kinase; plus strand), BMP15 (bone morphogenetic protein 15; plus strand), CACNA1F (calcium voltage-gated channel subunit alpha1 F; minus strand), CCDC120 (coiled-coil domain containing 120; plus strand) and 86 more. Cytogenetic location: Xp11.23-11.22.
Variant type: Deletion.
Identifiers: ClinVar variation 2425881 (VCV002425881.4).

ClinVar aggregate classification (germline): Pathogenic (1 of 4 stars; one submission).

Conditions:
Insulin-dependent diabetes mellitus secretory diarrhea syndrome (IPEX). Also called: DIABETES MELLITUS, CONGENITAL INSULIN-DEPENDENT, WITH FATAL SECRETORY DIARRHEA; DIARRHEA, POLYENDOCRINOPATHY, FATAL INFECTION SYNDROME, X-LINKED; ENTEROPATHY, AUTOIMMUNE, WITH HEMOLYTIC ANEMIA AND POLYENDOCRINOPATHY; X-Linked Autoimmunity-Allergic Dysregulation Syndrome; IMMUNODEFICIENCY, POLYENDOCRINOPATHY, AND ENTEROPATHY, X-LINKED; Immunodysregulation, polyendocrinopathy, and enteropathy, X-linked. Identifiers: Orphanet 37042, MedGen C0342288, MONDO:0010580, OMIM 304790. Disease mechanism: loss of function.

Submission:

Labcorp Genetics (formerly Invitae), Labcorp
Classification: Pathogenic for Insulin-dependent diabetes mellitus secretory diarrhea syndrome. Last evaluated: 2020-09-30. Review status: criteria provided, single submitter. Criteria: Invitae Variant Classification Sherloc (09022015). Collection method: clinical testing. Allele origin: germline.
Comment: A gross deletion of the genomic region encompassing the full coding sequence of the FOXP3 gene has been identified. The boundaries of this event are unknown as the deletion extends beyond the assayed region for this gene and therefore may encompass additional genes. This variant has not been reported in the literature in individuals with FOXP3-related conditions. Loss-of-function variants in FOXP3 are known to be pathogenic (PMID: 11137992, 11137993). For these reasons, this variant has been classified as Pathogenic.

Literature cited by the submitters: PubMed 11137992; PubMed 11137993.